The following is an entry in ClinVar:

ClinVar aggregate classification (germline): Uncertain significance. Review status: criteria provided, multiple submitters, no conflicts (2 of 4 stars). 2 submissions from 2 submitters: Uncertain significance (2). Last evaluated 2022-09-06.

Allele frequency attached by ClinVar (database versions not stated): gnomAD exomes 0.00001; TOPMed 0.00003.
gnomAD v4.1: 19 of 1,614,098 alleles (0.0012%); highest among the groups gnomAD compares: South Asian, 0.0044%; 1 homozygote.

Submissions (2):

Ambry Genetics
Classification: Uncertain significance. Last evaluated: 2022-09-06. Review status: criteria provided, single submitter. Criteria: Ambry Variant Classification Scheme 2023. Collection method: clinical testing. Allele origin: germline.

Labcorp Genetics (formerly Invitae), Labcorp
Classification: Uncertain significance. Last evaluated: 2021-08-27. Review status: criteria provided, single submitter. Criteria: Invitae Variant Classification Sherloc (09022015). Collection method: clinical testing. Allele origin: germline.
Comment: This sequence change replaces arginine with glutamine at codon 69 of the IL2RB protein (p.Arg69Gln). The arginine residue is weakly conserved and there is a small physicochemical difference between arginine and glutamine. This variant is not present in population databases (ExAC no frequency). This variant has not been reported in the literature in individuals affected with IL2RB-related conditions. Algorithms developed to predict the effect of missense changes on protein structure and function output the following: SIFT: "Tolerated"; PolyPhen-2: "Benign"; Align-GVGD: "Class C0". The glutamine amino acid residue is found in multiple mammalian species, which suggests that this missense change does not adversely affect protein function. In summary, the available evidence is currently insufficient to determine the role of this variant in disease. Therefore, it has been classified as a Variant of Uncertain Significance.

NM_000878.5(IL2RB):c.206G>A (p.Arg69Gln)

Gene: IL2RB (interleukin 2 receptor subunit beta; minus strand). Cytogenetic location: 22q12.3.
Variant type: single nucleotide variant.
Coding change: c.206G>A on transcript NM_000878.5 (MANE Select); coding-DNA position 206, G replaced by A.
Protein change: p.Arg69Gln; replaces arginine 69 with glutamine.
Molecular consequence: missense variant.
Genome position (GRCh38, 1-based): chr22:37,142,510, C>T on the plus strand (G>A on the coding strand, the complement: IL2RB is on the minus strand). VCF-style: chr22-37142510-C-T. GRCh37 (hg19) VCF-style: chr22-37538550-C-T.
Other names: c.206G>A, p.Arg69Gln (NM_001346222.1, NM_001346223.2); c.206G>A (NM_000878.2); short protein forms R69Q.
Identifiers: ClinVar variation 1450142 (VCV001450142.6), dbSNP rs992633708, ClinGen allele CA324055191.
Genomic context (GRCh38, chr22:37,142,510, plus strand): 5'-ATCAGGTTGCAGGCCCAGGATGCTTGACTCACGGGGAGCAGCTCACAGGTTTGGTTCCAC[C>T]GCCTTTCATGGCAAAAGACCCTCTTTAGAAGAACAGGAAGGACCCACACAGCTGGCCCAA-3'
Protein context (NP_000869.1, residues 59-79): CQVHAWPDRR[Arg69Gln]WNQTCELLPV